The following is an entry in ClinVar:

NM_000255.4(MMUT):c.729_730insTT (p.Asp244fs)

Gene: MMUT (methylmalonyl-CoA mutase; minus strand). Cytogenetic location: 6p12.3.
Variant type: Insertion.
Coding change: c.729_730insTT on transcript NM_000255.4 (MANE Select); coding-DNA positions 729 to 730, TT inserted.
Protein change: p.Asp244fs; shifts the reading frame from aspartic acid 244.
Molecular consequence: frameshift variant.
Genome position: GRCh38 VCF-style: chr6-49457714-C-CAA. GRCh37 (hg19) VCF-style: chr6-49425427-C-CAA.
Other names: short protein forms D244fs.
Identifiers: ClinVar variation 552079 (VCV000552079.19), dbSNP rs780283588, ClinGen allele CA3847064.

ClinVar aggregate classification (germline): Pathogenic. Review status: criteria provided, multiple submitters, no conflicts (2 of 4 stars). 7 submissions from 7 submitters: Pathogenic (6). 1 of the submissions does not count toward it. Last evaluated 2025-10-27.

Conditions:
Methylmalonic aciduria due to methylmalonyl-CoA mutase deficiency (MAMM). Also called: Methylmalonic aciduria, mut type. Identifiers: Orphanet 27, MedGen C1855114, MONDO:0009612, OMIM 251000.
Methylmalonic aciduria due to complete methylmalonyl-CoA mutase deficiency.
Methylmalonic acidemia (MMA). Also called: Isolated Methylmalonic Acidemia. Identifiers: MedGen C0268583, MeSH C537358, MONDO:0002012, HP:0002912.

Submissions (7):

Natera, Inc.
Classification: Pathogenic for Methylmalonic aciduria due to complete methylmalonyl-CoA mutase deficiency. Last evaluated: 2025-10-27. Review status: criteria provided, single submitter. Criteria: Natera Variant Classification Schema (03/2026). Collection method: clinical testing. Allele origin: germline.
Comment: The c.729_730insTT variant in MMUT is a frameshift variant predicted to shift the reading frame beginning at codon 244 and leads to a stop codon 39 codons downstream. This variant is expected to result in nonsense mediated decay, truncation, or a dysfunctional protein product. This variant is rare in the general population with a frequency below the threshold expected for the associated phenotype(s). This variant has been observed in one or more individuals affected with the associated recessive disease, as either homozygous or compound heterozygous with a second variant (PMID: 26454439). Given the available evidence, this variant is classified as Pathogenic.

Victorian Clinical Genetics Services, Murdoch Childrens Research Institute
Classification: Pathogenic for Methylmalonic aciduria due to methylmalonyl-CoA mutase deficiency. Last evaluated: 2025-06-18. Review status: criteria provided, single submitter. Criteria: ACMG Guidelines, 2015. Collection method: clinical testing. Allele origin: germline. Affected: no.
Comment: This variant is classified as Pathogenic. Evidence in support of pathogenic classification: Variant is predicted to cause nonsense-mediated decay (NMD) and loss of protein (premature termination codon is located at least 54 nucleotides upstream of the final exon-exon junction); Variant is present in gnomAD <0.01 for a recessive condition (v4: 6 heterozygote(s), 0 homozygote(s)); This variant has strong previous evidence of pathogenicity in unrelated individuals. It has been classified as pathogenic by clinical laboratories (ClinVar) and has been reported in compound heterozygous individuals with infantile hyperammonaemia (PMID: 37305718); Other NMD-predicted variant(s) comparable to the one identified in this case have very strong previous evidence for pathogenicity (DECIPHER). Additional information: This variant is heterozygous; This gene is associated with autosomal recessive disease; Loss of function is a known mechanism of disease in this gene and is associated with methylmalonic aciduria, mut(0) type (MIM#251000).

Labcorp Genetics (formerly Invitae), Labcorp
Classification: Pathogenic. Last evaluated: 2024-02-23. Review status: criteria provided, single submitter. Criteria: Invitae Variant Classification Sherloc (09022015). Collection method: clinical testing. Allele origin: germline.
Comment: This sequence change creates a premature translational stop signal (p.Asp244Leufs*39) in the MUT gene. It is expected to result in an absent or disrupted protein product. Loss-of-function variants in MUT are known to be pathogenic (PMID: 15781192). This variant is present in population databases (rs780283588, gnomAD 0.02%). This premature translational stop signal has been observed in individual(s) with MUT-related conditions (PMID: 16281286, 23729607, 27751223). ClinVar contains an entry for this variant (Variation ID: 552079). For these reasons, this variant has been classified as Pathogenic.

Revvity Omics, Revvity
Classification: Pathogenic for Methylmalonic aciduria due to methylmalonyl-CoA mutase deficiency. Last evaluated: 2023-04-04. Review status: criteria provided, single submitter. Criteria: ACMG Guidelines, 2015. Collection method: clinical testing. Allele origin: germline.

Women's Health and Genetics/Laboratory Corporation of America, LabCorp
Classification: Pathogenic for Methylmalonic acidemia. Last evaluated: 2018-07-23. Review status: criteria provided, single submitter. Criteria: LabCorp Variant Classification Summary - May 2015. Collection method: clinical testing. Allele origin: germline.
Comment: Variant summary: MUT c.729_730insTT (p.Asp244LeufsX39) results in a premature termination codon, predicted to cause a truncation of the encoded protein or absence of the protein due to nonsense mediated decay, which are commonly known mechanisms for disease. The variant allele was found at a frequency of 1.1e-05 in 275680 control chromosomes (gnomAD). The variant, c.729_730insTT, has been reported in the literature in multiple individuals affected with Methylmalonic Acidemia (Han_2015). These data indicate that the variant is very likely to be associated with disease. To our knowledge, no experimental evidence demonstrating an impact on protein function has been reported. No clinical diagnostic laboratories have submitted clinical-significance assessments for this variant to ClinVar after 2014. Based on the evidence outlined above, the variant was classified as pathogenic.

Juno Genomics, Hangzhou Juno Genomics, Inc
Classification: Pathogenic for Methylmalonic aciduria due to methylmalonyl-CoA mutase deficiency. Review status: criteria provided, single submitter. Criteria: ACMG Guidelines, 2015. Collection method: clinical testing. Allele origin: germline. Affected: yes.
Comment: Null variant in a gene where loss of function (LOF) is a known mechanism of disease.;Absent from controls (or at extremely low frequency if recessive) in Genome Aggregation Database, Exome Sequencing Project, 1000 Genomes Project, or Exome Aggregation Consortium.;For recessive disorders, detected in trans with a pathogenic variant.;Patient's phenotype or family history is highly specific for a disease with a single genetic etiology.

Counsyl
Classification: Pathogenic for Methylmalonic aciduria due to methylmalonyl-CoA mutase deficiency. Last evaluated: 2017-05-26. Review status: no assertion criteria provided. Collection method: clinical testing. Allele origin: unknown. Not counted in ClinVar's aggregate classification.

Literature cited by the submitters: PubMed 26454439 (cited by Natera, Inc. and Women's Health and Genetics/Laboratory Corporation of America, LabCorp); PubMed 37305718 (cited by Victorian Clinical Genetics Services, Murdoch Childrens Research Institute); PubMed 15781192 (cited by Labcorp Genetics (formerly Invitae), Labcorp); PubMed 16281286 (cited by Labcorp Genetics (formerly Invitae), Labcorp); PubMed 23729607 (cited by Labcorp Genetics (formerly Invitae), Labcorp); PubMed 27751223 (cited by Labcorp Genetics (formerly Invitae), Labcorp); PubMed 23430940 (cited by Counsyl).